The following is an entry in ClinVar:

ClinVar aggregate classification (germline): Uncertain significance (1 of 4 stars; one submission).

Conditions:
Nephronophthisis. Also called: Juvenile Nephronophthisis. Identifiers: Orphanet 655, MedGen C0687120, MONDO:0019005, HP:0000090.

Allele frequency attached by ClinVar (database versions not stated): ExAC 0.00001; TOPMed 0.00001.
gnomAD v4.1: 4 of 1,613,860 alleles (0.00025%); highest among the groups gnomAD compares: Admixed American, 0.0067%; no homozygotes.

Submission:

Labcorp Genetics (formerly Invitae), Labcorp
Classification: Uncertain significance for Nephronophthisis. Last evaluated: 2024-10-24. Review status: criteria provided, single submitter. Criteria: Invitae Variant Classification Sherloc (09022015). Collection method: clinical testing. Allele origin: germline.
Comment: This sequence change falls in intron 22 of the NPHP3 gene. It does not directly change the encoded amino acid sequence of the NPHP3 protein. It affects a nucleotide within the consensus splice site. This variant is present in population databases (rs748849731, gnomAD 0.009%). This variant has not been reported in the literature in individuals affected with NPHP3-related conditions. ClinVar contains an entry for this variant (Variation ID: 1015197). Variants that disrupt the consensus splice site are a relatively common cause of aberrant splicing (PMID: 17576681, 9536098). Algorithms developed to predict the effect of sequence changes on RNA splicing suggest that this variant may disrupt the consensus splice site. In summary, the available evidence is currently insufficient to determine the role of this variant in disease. Therefore, it has been classified as a Variant of Uncertain Significance.

Literature cited by the submitters: PubMed 17576681; PubMed 9536098.

NM_153240.5(NPHP3):c.3202-3C>G

Genes: NPHP3 (nephrocystin 3; minus strand), NPHP3-ACAD11 (NPHP3-ACAD11 readthrough (NMD candidate); minus strand). Cytogenetic location: 3q22.1.
Variant type: single nucleotide variant.
Coding change: c.3202-3C>G on transcript NM_153240.5 (MANE Select); 3 bases into the intron before coding-DNA position 3202, C replaced by G.
Molecular consequence: intron variant.
Genome position (GRCh38, 1-based): chr3:132,686,390, G>C on the plus strand (C>G on the coding strand, the complement: NPHP3 is on the minus strand). VCF-style: chr3-132686390-G-C. GRCh37 (hg19) VCF-style: chr3-132405234-G-C.
Identifiers: ClinVar variation 1015197 (VCV001015197.5), dbSNP rs748849731, ClinGen allele CA2621803.
Genomic context (GRCh38, chr3:132,686,390, plus strand): 5'-TACCTAATGTAAGCTCTTCTAACTGTAAAGCCCGTCTACGTAAAAGGGCAAATCCGTACT[G>C]CAGCAAACATGAAAAATGAAAAGCAATCACTAAGTAGGTGCAATCCTTGATTCTGAAACA-3'